The following is an entry in ClinVar:

NM_001267550.2(TTN):c.3038T>A (p.Phe1013Tyr)

Gene: TTN (titin; minus strand). Cytogenetic location: 2q31.2.
Variant type: single nucleotide variant.
Coding change: c.3038T>A on transcript NM_001267550.2 (MANE Select); coding-DNA position 3038, T replaced by A.
Protein change: p.Phe1013Tyr; replaces phenylalanine 1013 with tyrosine.
Molecular consequence: missense variant.
Genome position (GRCh38, 1-based): chr2:178,782,868, A>T on the plus strand (T>A on the coding strand, the complement: TTN is on the minus strand). VCF-style: chr2-178782868-A-T. GRCh37 (hg19) VCF-style: chr2-179647595-A-T.
Other names: c.3038T>A, p.Phe1013Tyr (NM_001256850.1, NM_133378.4, NM_133379.5); c.2900T>A, p.Phe967Tyr (NM_003319.4, NM_133432.3, NM_133437.4); short protein forms F1013Y, F967Y.
Identifiers: ClinVar variation 2651727 (VCV002651727.24), dbSNP rs2533371289, ClinGen allele CA349490101.
Genomic context (GRCh38, chr2:178,782,868, plus strand): 5'-TGCACAGCCAGATAGCAGGATGTGCTGACGGTTCCAGCCTCATTTACAGCACTGCAAGTA[A>T]ATCGCCCGCTGTCTTCCGCAAATGCTTCGCGAATCATAAGACGAGCAATTCCACTCTGGA-3'
Protein context (NP_001254479.2, residues 1003-1023): REAFAEDSGR[Phe1013Tyr]TCSAVNEAGT

ClinVar aggregate classification (germline): Uncertain significance (1 of 4 stars; one submission).

Submission:

CeGaT Center for Human Genetics Tuebingen
Classification: Uncertain significance. Last evaluated: 2023-06-01. Review status: criteria provided, single submitter. Criteria: CeGaT Center For Human Genetics Tuebingen Variant Classification Criteria Version 2. Collection method: clinical testing. Allele origin: germline. Affected: yes. Observed: 1 variant allele.
Comment: TTN: PM2